The following is an entry in ClinVar:

NM_006941.4(SOX10):c.28G>A (p.Val10Met)

Genes: POLR2F (RNA polymerase II, I and III subunit F; plus strand), SOX10 (SRY-box transcription factor 10; minus strand). Cytogenetic location: 22q13.1.
Variant type: single nucleotide variant.
Coding change: c.28G>A on transcript NM_006941.4 (MANE Select); coding-DNA position 28, G replaced by A.
Protein change: p.Val10Met; replaces valine 10 with methionine.
Molecular consequence: missense variant. On other transcripts: intron variant (3).
Genome position (GRCh38, 1-based): chr22:37,983,757, C>T on the plus strand (G>A on the coding strand, the complement: SOX10 is on the minus strand). VCF-style: chr22-37983757-C-T. GRCh37 (hg19) VCF-style: chr22-38379764-C-T.
Other names: c.*38+11447C>T (NM_001363825.1); c.294-2397C>T (NM_001301130.2); c.293+16587C>T (NM_001301131.2); short protein forms V10M.
Identifiers: ClinVar variation 2860375 (VCV002860375.3), dbSNP rs2518053043, ClinGen allele CA411502423.

ClinVar aggregate classification (germline): Uncertain significance (1 of 4 stars; one submission).

Submission:

Labcorp Genetics (formerly Invitae), Labcorp
Classification: Uncertain significance. Last evaluated: 2023-08-10. Review status: criteria provided, single submitter. Criteria: Invitae Variant Classification Sherloc (09022015). Collection method: clinical testing. Allele origin: germline.
Comment: This sequence change replaces valine, which is neutral and non-polar, with methionine, which is neutral and non-polar, at codon 10 of the SOX10 protein (p.Val10Met). This variant is not present in population databases (gnomAD no frequency). This variant has not been reported in the literature in individuals affected with SOX10-related conditions. An algorithm developed to predict the effect of missense changes on protein structure and function (PolyPhen-2) suggests that this variant is likely to be disruptive. In summary, the available evidence is currently insufficient to determine the role of this variant in disease. Therefore, it has been classified as a Variant of Uncertain Significance.